The following is an entry in ClinVar:

NM_000138.5(FBN1):c.6371C>G (p.Ser2124Ter)

Gene: FBN1 (fibrillin 1; minus strand). Cytogenetic location: 15q21.1.
Variant type: single nucleotide variant.
Coding change: c.6371C>G on transcript NM_000138.5 (MANE Select); coding-DNA position 6371, C replaced by G.
Protein change: p.Ser2124Ter; replaces serine 2124 with a stop codon.
Molecular consequence: nonsense.
Genome position (GRCh38, 1-based): chr15:48,437,330, G>C on the plus strand (C>G on the coding strand, the complement: FBN1 is on the minus strand). VCF-style: chr15-48437330-G-C. GRCh37 (hg19) VCF-style: chr15-48729527-G-C.
Other names: short protein forms S2124*.
Identifiers: ClinVar variation 1374960 (VCV001374960.6), dbSNP rs1190410675, ClinGen allele CA392336748.

ClinVar aggregate classification (germline): Pathogenic (1 of 4 stars; one submission).

Conditions:
Marfan syndrome (MFS). Also called: Marfan syndrome type 1; Marfan's syndrome; FBN1-Related Marfan Syndrome; MARFAN SYNDROME, TYPE I; Marfan syndrome, classic. Identifiers: Orphanet 284963, Orphanet 558, MedGen C0024796, MONDO:0007947, OMIM 154700.
Familial thoracic aortic aneurysm and aortic dissection (TAAD). Also called: Thoracic aortic aneurysms and dissections. Identifiers: Orphanet 91387, MedGen C4707243, MONDO:0019625.

Submission:

Labcorp Genetics (formerly Invitae), Labcorp
Classification: Pathogenic for Marfan syndrome; Familial thoracic aortic aneurysm and aortic dissection. Last evaluated: 2021-09-03. Review status: criteria provided, single submitter. Criteria: Invitae Variant Classification Sherloc (09022015). Collection method: clinical testing. Allele origin: germline.
Comment: For these reasons, this variant has been classified as Pathogenic. This variant has not been reported in the literature in individuals affected with FBN1-related conditions. This variant is not present in population databases (ExAC no frequency). This sequence change creates a premature translational stop signal (p.Ser2124*) in the FBN1 gene. It is expected to result in an absent or disrupted protein product. Loss-of-function variants in FBN1 are known to be pathogenic (PMID: 17657824, 19293843).

Literature cited by the submitters: PubMed 17657824; PubMed 19293843.